The following is an entry in ClinVar:

NM_170784.3(MKKS):c.1689A>G (p.Ser563=)

Gene: MKKS (MKKS centrosomal shuttling protein; minus strand). Cytogenetic location: 20p12.2.
Variant type: single nucleotide variant.
Coding change: c.1689A>G on transcript NM_170784.3 (MANE Select); coding-DNA position 1689, A replaced by G.
Protein change: p.Ser563=; no amino-acid change (serine 563 retained).
Molecular consequence: synonymous variant. On other transcripts: non-coding transcript variant (1).
Genome position (GRCh38, 1-based): chr20:10,405,271, T>C on the plus strand (A>G on the coding strand, the complement: MKKS is on the minus strand). VCF-style: chr20-10405271-T-C. GRCh37 (hg19) VCF-style: chr20-10385919-T-C.
Other names: c.1689A>G, p.Ser563= (NM_018848.3).
Identifiers: ClinVar variation 1896889 (VCV001896889.7), dbSNP rs147688404, ClinGen allele CA9763441.
Genomic context (GRCh38, chr20:10,405,271, plus strand): 5'-TATTTGTTTCTCTTGTAATACGAACATGCTATTCTCTTAGTTTTTATCTTCAATAACATA[T>C]GAAAGATCCAAAATCAAATTGGCTGTCTCTACAGCCACCTGTAGGCCACTAAGCTTTGCA-3'
Protein context (NP_740754.1, residues 553-570): VETANLILDL[Ser563=]YVIEDKN

ClinVar aggregate classification (germline): Likely benign. Review status: criteria provided, multiple submitters, no conflicts (2 of 4 stars). 3 submissions from 3 submitters: Likely benign (2). 1 of the submissions does not count toward it. Last evaluated 2024-11-25.

Conditions:
Bardet-Biedl syndrome (BBS). Identifiers: Orphanet 110, MedGen C0752166, MONDO:0015229.
McKusick-Kaufman syndrome (MKKS). Also called: HYDROMETROCOLPOS SYNDROME; HYDROMETROCOLPOS, POSTAXIAL POLYDACTYLY, AND CONGENITAL HEART MALFORMATION. Identifiers: Orphanet 2473, MedGen C0948368, MONDO:0009367, OMIM 236700.
MKKS-related disorder. Also called: MKKS-related condition; MKKS-related disorders.

gnomAD v4.1: 10 of 1,612,866 alleles (0.00062%); highest among the groups gnomAD compares: African/African-American, 0.0093%; no homozygotes.

Submissions (3):

Blueprint Genetics
Classification: Likely benign. Last evaluated: 2024-11-25. Review status: criteria provided, single submitter. Criteria: ACMG Guidelines, 2015. Collection method: clinical testing. Allele origin: germline.

Labcorp Genetics (formerly Invitae), Labcorp
Classification: Likely benign for McKusick-Kaufman syndrome; Bardet-Biedl syndrome. Last evaluated: 2023-05-21. Review status: criteria provided, single submitter. Criteria: Invitae Variant Classification Sherloc (09022015). Collection method: clinical testing. Allele origin: germline.

PreventionGenetics, part of Exact Sciences
Classification: Likely benign for MKKS-related condition. Last evaluated: 2022-09-30. Review status: no assertion criteria provided. Collection method: clinical testing. Allele origin: germline. Not counted in ClinVar's aggregate classification.
Comment: This variant is classified as likely benign based on ACMG/AMP sequence variant interpretation guidelines (Richards et al. 2015 PMID: 25741868, with internal and published modifications).